The following is an entry in ClinVar:

NM_001170629.2(CHD8):c.5322C>A (p.Asp1774Glu)

Gene: CHD8 (chromodomain helicase DNA binding protein 8; minus strand). Cytogenetic location: 14q11.2.
Variant type: single nucleotide variant.
Coding change: c.5322C>A on transcript NM_001170629.2 (MANE Select); coding-DNA position 5322, C replaced by A.
Protein change: p.Asp1774Glu; replaces aspartic acid 1774 with glutamic acid.
Molecular consequence: missense variant.
Genome position (GRCh38, 1-based): chr14:21,394,980, G>T on the plus strand (C>A on the coding strand, the complement: CHD8 is on the minus strand). VCF-style: chr14-21394980-G-T. GRCh37 (hg19) VCF-style: chr14-21863139-G-T.
Other names: c.4485C>A, p.Asp1495Glu (NM_020920.4); short protein forms D1495E, D1774E.
Identifiers: ClinVar variation 4882973 (VCV004882973.2).

ClinVar aggregate classification (germline): Uncertain significance (1 of 4 stars; one submission).

Conditions:
Complex neurodevelopmental disorder. Identifiers: Orphanet 528084, MedGen C5568766, MONDO:0100038.

Submission:

Dasa
Classification: Uncertain significance for Complex neurodevelopmental disorder. Last evaluated: 2025-12-27. Review status: criteria provided, single submitter. Criteria: DASA Assertion Criteria. Collection method: clinical testing. Allele origin: germline.
Comment: NM_001170629.2(CHD8):c.5322C>A (p.Asp1774Glu) is a missense variant that results in the substitution of aspartic acid with glutamic acid. This variant is rare in population databases. The currently available literature and clinical evidence are not sufficient to establish a definitive association between this variant and the reported condition. Therefore, this variant is classified as a variant of uncertain significance.